The following is an entry in ClinVar:

ClinVar aggregate classification (germline): Uncertain significance (1 of 4 stars; one submission).

Conditions:
Naxos disease (NXD). Also called: KERATOSIS PALMOPLANTARIS WITH ARRHYTHMOGENIC CARDIOMYOPATHY; MAL DE NAXOS; PALMOPLANTAR KERATODERMA WITH ARRHYTHMOGENIC RIGHT VENTRICULAR CARDIOMYOPATHY AND WOOLLY HAIR; WOOLLY HAIR, PALMOPLANTAR KERATODERMA, AND CARDIAC ABNORMALITIES; CARDIOMYOPATHY, ARRHYTHMOGENIC RIGHT VENTRICULAR, WITH SKIN, HAIR, AND NAIL ABNORMALITIES. Identifiers: Orphanet 34217, MedGen C1832600, MONDO:0011017, OMIM 601214.
Arrhythmogenic right ventricular dysplasia 12. Also called: ARRHYTHMOGENIC RIGHT VENTRICULAR DYSPLASIA, FAMILIAL, 12. Identifiers: MedGen C1969081, MONDO:0012684, OMIM 611528.

Allele frequency attached by ClinVar (database versions not stated): TOPMed below 0.00001; gnomAD 0.00001; ExAC 0.00002.
gnomAD v4.1: 1 of 1,614,012 alleles (0.000062%); highest among the groups gnomAD compares: Non-Finnish European, 0.000085%; no homozygotes.

Submission:

Labcorp Genetics (formerly Invitae), Labcorp
Classification: Uncertain significance for Arrhythmogenic right ventricular dysplasia 12; Naxos disease. Last evaluated: 2023-04-07. Review status: criteria provided, single submitter. Criteria: Invitae Variant Classification Sherloc (09022015). Collection method: clinical testing. Allele origin: germline.
Comment: In summary, the available evidence is currently insufficient to determine the role of this variant in disease. Therefore, it has been classified as a Variant of Uncertain Significance. An algorithm developed to predict the effect of missense changes on protein structure and function (PolyPhen-2) suggests that this variant is likely to be disruptive. This sequence change replaces tyrosine, which is neutral and polar, with asparagine, which is neutral and polar, at codon 324 of the JUP protein (p.Tyr324Asn). This variant is present in population databases (rs782797975, gnomAD 0.002%). This variant has not been reported in the literature in individuals affected with JUP-related conditions.

NM_002230.4(JUP):c.970T>A (p.Tyr324Asn)

Gene: JUP (junction plakoglobin; minus strand). Cytogenetic location: 17q21.2.
Variant type: single nucleotide variant.
Coding change: c.970T>A on transcript NM_002230.4 (MANE Select); coding-DNA position 970, T replaced by A.
Protein change: p.Tyr324Asn; replaces tyrosine 324 with asparagine.
Molecular consequence: missense variant.
Genome position (GRCh38, 1-based): chr17:41,765,007, A>T on the plus strand (T>A on the coding strand, the complement: JUP is on the minus strand). VCF-style: chr17-41765007-A-T. GRCh37 (hg19) VCF-style: chr17-39921259-A-T.
Other names: c.970T>A, p.Tyr324Asn (NM_001352773.2, NM_001352774.2, NM_001352775.2 and 3 more transcripts); short protein forms Y324N.
Identifiers: ClinVar variation 2928377 (VCV002928377.2), dbSNP rs782797975, ClinGen allele CA8565325.
Genomic context (GRCh38, chr17:41,765,007, plus strand): 5'-TGCTGGGACACACGGATAGCACCTTGAGCACACGACTGGTGGTCCAGAGCAGCTTTTCAT[A>T]ACTGTAGTTACGCATGATCTGCACGAGGGCCTGGGGCCCACCATTGGCCAGGATGATCAG-3'
Protein context (NP_002221.1, residues 314-334): ALVQIMRNYS[Tyr324Asn]EKLLWTTSRV